The following is an entry in ClinVar:

ClinVar aggregate classification (germline): Benign (1 of 4 stars; one submission).

Conditions:
Cone-rod dystrophy 7 (CORD7). Identifiers: Orphanet 1872, MedGen C1863634, MONDO:0011355, OMIM 603649.

Allele frequency attached by ClinVar (database versions not stated): gnomAD 0.01401 and 0.01505; TOPMed 0.01535; gnomAD exomes 0.00193; 1000 Genomes Project 30x 0.01437; 1000 Genomes Project 0.01438.
gnomAD v4.1: 2,548 of 378,516 alleles (0.67%); highest among the groups gnomAD compares: African/African-American, 4.9%; 62 homozygotes.

Submission:

Illumina Laboratory Services, Illumina
Classification: Benign for Cone-rod dystrophy 7. Last evaluated: 2018-01-13. Review status: criteria provided, single submitter. Criteria: ICSL Variant Classification Criteria 13 December 2019. Collection method: clinical testing. Allele origin: germline.
Comment: This variant was observed in the ICSL laboratory as part of a predisposition screen in an ostensibly healthy population. It had not been previously curated by ICSL or reported in the Human Gene Mutation Database (HGMD: prior to June 1st, 2018), and was therefore a candidate for classification through an automated scoring system. Utilizing variant allele frequency, disease prevalence and penetrance estimates, and inheritance mode, an automated score was calculated to assess if this variant is too frequent to cause the disease. Based on the score and internal cut-off values, a variant classified as benign is not then subjected to further curation. The score for this variant resulted in a classification of benign for this disease.

NM_014989.7(RIMS1):c.*280C>T

Gene: RIMS1 (regulating synaptic membrane exocytosis 1; plus strand). Cytogenetic location: 6q13.
Variant type: single nucleotide variant.
Coding change: c.*280C>T on transcript NM_014989.7 (MANE Select); 280 bases downstream of the stop codon, C replaced by T.
Molecular consequence: 3 prime UTR variant.
Genome position (GRCh38, 1-based): chr6:72,400,994, C>T. VCF-style: chr6-72400994-C-T. GRCh37 (hg19) VCF-style: chr6-73110696-C-T.
Other names: c.*280C>T (NM_001168407.2, NM_001168408.2, NM_001168409.2 and 60 more transcripts).
Identifiers: ClinVar variation 357869 (VCV000357869.5), dbSNP rs9446637, ClinGen allele CA10627504.